The following is an entry in ClinVar:

NM_001711.6(BGN):c.988G>C (p.Ala330Pro)

Gene: BGN (biglycan; plus strand). Cytogenetic location: Xq28.
Variant type: single nucleotide variant.
Coding change: c.988G>C on transcript NM_001711.6 (MANE Select); coding-DNA position 988, G replaced by C.
Protein change: p.Ala330Pro; replaces alanine 330 with proline.
Molecular consequence: missense variant.
Genome position (GRCh38, 1-based): chrX:153,508,326, G>C. VCF-style: chrX-153508326-G-C. GRCh37 (hg19) VCF-style: chrX-152773784-G-C.
Other names: c.988G>C (NM_001711.4); short protein forms A330P.
Identifiers: ClinVar variation 1446050 (VCV001446050.7), dbSNP rs1181844672, ClinGen allele CA415071793.

ClinVar aggregate classification (germline): Uncertain significance. Review status: criteria provided, multiple submitters, no conflicts (2 of 4 stars). 2 submissions from 2 submitters: Uncertain significance (2). Last evaluated 2025-07-21.

Conditions:
Cardiovascular phenotype. Identifiers: MedGen CN230736.

Allele frequency attached by ClinVar (database versions not stated): gnomAD exomes 0.00001; gnomAD 0.00005 and 0.00008; TOPMed 0.00005.

Submissions (2):

Labcorp Genetics (formerly Invitae), Labcorp
Classification: Uncertain significance. Last evaluated: 2025-07-21. Review status: criteria provided, single submitter. Criteria: Invitae Variant Classification Sherloc (09022015). Collection method: clinical testing. Allele origin: germline.
Comment: This sequence change replaces alanine, which is neutral and non-polar, with proline, which is neutral and non-polar, at codon 330 of the BGN protein (p.Ala330Pro). This variant is present in population databases (no rsID available, gnomAD 0.02%). This variant has not been reported in the literature in individuals affected with BGN-related conditions. ClinVar contains an entry for this variant (Variation ID: 1446050). Invitae Evidence Modeling of protein sequence and biophysical properties (such as structural, functional, and spatial information, amino acid conservation, physicochemical variation, residue mobility, and thermodynamic stability) indicates that this missense variant is not expected to disrupt BGN protein function with a negative predictive value of 80%. In summary, the available evidence is currently insufficient to determine the role of this variant in disease. Therefore, it has been classified as a Variant of Uncertain Significance.

Ambry Genetics
Classification: Uncertain significance for Cardiovascular phenotype. Last evaluated: 2023-08-13. Review status: criteria provided, single submitter. Criteria: Ambry Variant Classification Scheme 2023. Collection method: clinical testing. Allele origin: germline.
Comment: The p.A330P variant (also known as c.988G>C), located in coding exon 7 of the BGN gene, results from a G to C substitution at nucleotide position 988. The alanine at codon 330 is replaced by proline, an amino acid with highly similar properties. Based on data from gnomAD, the C allele has an overall frequency of 0.0011% (2/183348) total alleles studied, with no hemizygote(s) observed. The highest observed frequency was 0.0152% (2/13157) of African/African American alleles. This amino acid position is not well conserved in available vertebrate species. In addition, this alteration is predicted to be tolerated by in silico analysis. Since supporting evidence is limited at this time, the clinical significance of this alteration remains unclear.